The following is an entry in ClinVar:

NM_001204.7(BMPR2):c.186dup (p.Gly63fs)

Gene: BMPR2 (bone morphogenetic protein receptor type 2; plus strand). Cytogenetic location: 2q33.1.
Variant type: Duplication.
Coding change: c.186dup on transcript NM_001204.7 (MANE Select); coding-DNA position 186, one base duplicated (A; older notation c.186dupA).
Protein change: p.Gly63fs; shifts the reading frame from glycine 63.
Molecular consequence: frameshift variant.
Genome position (GRCh38, 1-based): chr2:202,464,918, A duplicated; the last of 3 consecutive A bases (chr2:202,464,916-202,464,918); duplicating any one gives the same sequence. VCF-style (leftmost placement, unchanged base first): chr2-202464915-G-GA. GRCh37 (hg19) VCF-style: chr2-203329638-G-GA.
Other names: c.186dup (LRG_712t1); short protein forms G63fs.
Identifiers: ClinVar variation 212814 (VCV000212814.10), dbSNP rs863223423, ClinGen allele CA322535.
Genomic context (GRCh38, chr2:202,464,915, plus strand): 5'-GCAAGACCTTGGGATAGGTGAGAGTAGAATCTCTCATGAAAATGGGACAATATTATGCTC[G>GA]AAAGGTAGCACCTGCTATGGCCTTTGGGAGAAATCAAAAGGGGACATAAATCTTGTAAAA-3'

ClinVar aggregate classification (germline): Pathogenic. Review status: criteria provided, multiple submitters, no conflicts (2 of 4 stars). 3 submissions from 3 submitters: Pathogenic (2). 1 of the submissions does not count toward it. Last evaluated 2025-04-18.

Conditions:
Pulmonary arterial hypertension. Identifiers: Orphanet 182090, MedGen C2973725, MeSH D000081029, MONDO:0015924, HP:0002092.
Primary pulmonary hypertension. Also called: Idiopathic pulmonary hypertension. Identifiers: MedGen C0152171.

Submissions (3):

Labcorp Genetics (formerly Invitae), Labcorp
Classification: Pathogenic for Primary pulmonary hypertension. Last evaluated: 2025-04-18. Review status: criteria provided, single submitter. Criteria: Invitae Variant Classification Sherloc (09022015). Collection method: clinical testing. Allele origin: germline.
Comment: This sequence change creates a premature translational stop signal (p.Gly63Argfs*2) in the BMPR2 gene. It is expected to result in an absent or disrupted protein product. Loss-of-function variants in BMPR2 are known to be pathogenic (PMID: 16429395). This variant is not present in population databases (gnomAD no frequency). This variant has not been reported in the literature in individuals affected with BMPR2-related conditions. Invitae Evidence Modeling of clinical and family history, age, sex, and reported ancestry of multiple individuals with this BMPR2 variant has been performed. This variant is expected to be pathogenic with a positive predictive value of at least 99%. This is a validated machine learning model that incorporates the clinical features of 21,746 individuals referred to our laboratory for BMPR2 testing. ClinVar contains an entry for this variant (Variation ID: 212814). For these reasons, this variant has been classified as Pathogenic.

GeneDx
Classification: Pathogenic. Last evaluated: 2015-04-24. Review status: criteria provided, single submitter. Criteria: GeneDx Variant Classification (06012015). Collection method: clinical testing. Allele origin: germline. Affected: yes.
Comment: Although the c.186dupA pathogenic variant in the BMPR2 gene has not been reported to our knowledge, this variant causes a shift in reading frame starting at codon Glycine 63, changing it to an Arginine, and creating a premature stop codon at position 2 of the new reading frame, denoted p.Gly63ArgfsX2. This variant is expected to result in either an abnormal, truncated protein product or loss of protein from this allele through nonsense-mediated mRNA decay. Other frameshift variants in the BMPR2 gene have been reported in HGMD in association with PAH (Stenson P et al., 2014). Furthermore, the c.186dupA variant has not been observed in approximately 6,500 individuals of European and African American background in the NHLBI Exome Sequencing Project, indicating it is not a common benign variant in these populations. In summary, c.186dupA in the BMPR2 gene is interpreted as a pathogenic variant.

John Welsh Cardiovascular Diagnostic Laboratory, Baylor College of Medicine
Classification: Pathogenic for Pulmonary arterial hypertension. Last evaluated: 2022-09-26. Review status: no assertion criteria provided. Criteria: ACMG Guidelines, 2015. Collection method: clinical testing. Allele origin: germline. Affected: yes. Not counted in ClinVar's aggregate classification.

Literature cited by the submitters: PubMed 16429395 (cited by Labcorp Genetics (formerly Invitae), Labcorp).